The following is an entry in ClinVar:

NM_022168.4(IFIH1):c.230G>A (p.Arg77Gln)

Gene: IFIH1 (interferon induced with helicase C domain 1; minus strand). Cytogenetic location: 2q24.2.
Variant type: single nucleotide variant.
Coding change: c.230G>A on transcript NM_022168.4 (MANE Select); coding-DNA position 230, G replaced by A.
Protein change: p.Arg77Gln; replaces arginine 77 with glutamine.
Molecular consequence: missense variant.
Genome position (GRCh38, 1-based): chr2:162,318,078, C>T on the plus strand (G>A on the coding strand, the complement: IFIH1 is on the minus strand). VCF-style: chr2-162318078-C-T. GRCh37 (hg19) VCF-style: chr2-163174588-C-T.
Other names: c.230G>A, p.Arg77Gln (LRG_1235t1); short protein forms R77Q.
Identifiers: ClinVar variation 474949 (VCV000474949.27), dbSNP rs367851471, ClinGen allele CA59694254.

ClinVar aggregate classification (germline): Conflicting classifications of pathogenicity. Review status: criteria provided, conflicting classifications (1 of 4 stars). 3 submissions from 3 submitters: Uncertain significance (2); Likely benign (1). Last evaluated 2025-07-14.

Conditions:
Singleton-Merten syndrome 1 (SGMRT1). Also called: Widened medullary cavities of bone, aortic calcification, abnormal dentition, and muscular weakness; Syndrome of widened medullary cavities of the metacarpals and phalanges, aortic calcification and abnormal dentition. Identifiers: Orphanet 85191, MedGen C4225427, MONDO:0024535, OMIM 182250.
Aicardi-Goutieres syndrome 7 (AGS7). Identifiers: Orphanet 51, MedGen C3888244, MONDO:0014367, OMIM 615846.

Allele frequency attached by ClinVar (database versions not stated): TOPMed 0.00003; ESP Exome Variant Server 0.00008; gnomAD 0.00001.
gnomAD v4.1: 31 of 1,614,038 alleles (0.0019%); highest among the groups gnomAD compares: African/African-American, 0.0027%; no homozygotes.

Submissions (3):

Labcorp Genetics (formerly Invitae), Labcorp
Classification: Likely benign for Aicardi-Goutieres syndrome 7; Singleton-Merten syndrome 1. Last evaluated: 2025-07-14. Review status: criteria provided, single submitter. Criteria: Invitae Variant Classification Sherloc (09022015). Collection method: clinical testing. Allele origin: germline.

CeGaT Center for Human Genetics Tuebingen
Classification: Uncertain significance. Last evaluated: 2024-07-01. Review status: criteria provided, single submitter. Criteria: CeGaT Center For Human Genetics Tuebingen Variant Classification Criteria Version 2. Collection method: clinical testing. Allele origin: germline. Affected: yes. Observed: 1 variant allele.
Comment: IFIH1: PM2, BP4

Women's Health and Genetics/Laboratory Corporation of America, LabCorp
Classification: Uncertain significance. Last evaluated: 2023-10-30. Review status: criteria provided, single submitter. Criteria: LabCorp Variant Classification Summary - May 2015. Collection method: clinical testing. Allele origin: germline.
Comment: Variant summary: IFIH1 c.230G>A (p.Arg77Gln) results in a conservative amino acid change located in the Caspase recruitment domain (IPR031964) of the encoded protein sequence. Five of five in-silico tools predict a benign effect of the variant on protein function. The variant was absent in 251444 control chromosomes. The available data on variant occurrences in the general population are insufficient to allow any conclusion about variant significance. To our knowledge, no occurrence of c.230G>A in individuals affected with Aicardi-Goutieres Syndrome 7 and no experimental evidence demonstrating its impact on protein function have been reported. One submitter has cited clinical-significance assessments for this variant to ClinVar after 2014 and has classified the variant as likely benign. Based on the evidence outlined above, the variant was classified as uncertain significance.